The following is an entry in ClinVar:

NM_004360.5(CDH1):c.1733del (p.Thr578fs)

Gene: CDH1 (cadherin 1; plus strand). Cytogenetic location: 16q22.1.
Variant type: Deletion.
Coding change: c.1733del on transcript NM_004360.5 (MANE Select); coding-DNA position 1733, one base deleted (C; older notation c.1733delC).
Protein change: p.Thr578fs; shifts the reading frame from threonine 578.
Molecular consequence: frameshift variant. On other transcripts: 5 prime UTR variant (1).
Genome position (GRCh38, 1-based): chr16:68,822,022, C deleted. VCF-style (leftmost placement, unchanged base first): chr16-68822021-AC-A. GRCh37 (hg19) VCF-style: chr16-68855924-AC-A.
Other names: c.1550del, p.Thr517fs (NM_001317184.2); c.185del, p.Thr62fs (NM_001317185.2); c.-233del (NM_001317186.2); short protein forms T517fs, T62fs, T578fs.
Identifiers: ClinVar variation 2017754 (VCV002017754.4), dbSNP rs2543941983, ClinGen allele CA2580091844.
Genomic context (GRCh38, chr16:68,822,021, plus strand): 5'-TGTTGCCAAGCTGCCACATTTTCTGTGTATTTTCTCTTAGGTTCTCCAGTTGCTACTGGA[AC>A]AGGGACACTTCTGCTGATCCTGTCTGATGTGAATGACAACGCCCCCATACCAGAACCTCG-3'

ClinVar aggregate classification (germline): Pathogenic (1 of 4 stars; one submission).

Conditions:
Hereditary diffuse gastric adenocarcinoma (HDGC). Also called: DIFFUSE GASTRIC AND LOBULAR BREAST CANCER SYNDROME. Identifiers: Orphanet 26106, MedGen C1708349, MONDO:0007648, OMIM 137215.

Submission:

Labcorp Genetics (formerly Invitae), Labcorp
Classification: Pathogenic for Hereditary diffuse gastric adenocarcinoma. Last evaluated: 2022-09-14. Review status: criteria provided, single submitter. Criteria: Invitae Variant Classification Sherloc (09022015). Collection method: clinical testing. Allele origin: germline.
Comment: This sequence change creates a premature translational stop signal (p.Thr578Lysfs*6) in the CDH1 gene. It is expected to result in an absent or disrupted protein product. Loss-of-function variants in CDH1 are known to be pathogenic (PMID: 15235021, 20373070). This variant is not present in population databases (gnomAD no frequency). This variant has not been reported in the literature in individuals affected with CDH1-related conditions. For these reasons, this variant has been classified as Pathogenic.

Literature cited by the submitters: PubMed 15235021; PubMed 20373070.